The following is an entry in ClinVar:

NM_001378609.3(OTOGL):c.3542C>G (p.Ala1181Gly)

Gene: OTOGL (otogelin like; plus strand). Cytogenetic location: 12q21.31.
Variant type: single nucleotide variant.
Coding change: c.3542C>G on transcript NM_001378609.3 (MANE Select); coding-DNA position 3542, C replaced by G.
Protein change: p.Ala1181Gly; replaces alanine 1181 with glycine.
Molecular consequence: missense variant.
Genome position (GRCh38, 1-based): chr12:80,313,567, C>G. VCF-style: chr12-80313567-C-G. GRCh37 (hg19) VCF-style: chr12-80707347-C-G.
Other names: c.3407C>G, p.Ala1136Gly (NM_001368062.3); c.3542C>G, p.Ala1181Gly (NM_001378610.3, NM_173591.7); short protein forms A1136G, A1181G.
Identifiers: ClinVar variation 3239346 (VCV003239346.19), dbSNP rs370905822.
Genomic context (GRCh38, chr12:80,313,567, plus strand): 5'-ATGAAGATACATGTAACTGCAATCTTGGTGGCGACTGTGAGTGTTTGTGCACTAGTATAG[C>G]TGCATATGCATACAAGTGTTGTCAGGAAGGAATATCAATTCATTGGAGATCATCTACTGT-3'
Protein context (NP_001365538.2, residues 1171-1191): GDCECLCTSI[Ala1181Gly]AYAYKCCQEG

ClinVar aggregate classification (germline): Uncertain significance (1 of 4 stars; one submission).

Allele frequency attached by ClinVar (database versions not stated): ExAC 0.00002; gnomAD 0.00002; TOPMed 0.00002; ESP Exome Variant Server 0.00008.
gnomAD v4.1: 61 of 1,611,988 alleles (0.0038%); highest among the groups gnomAD compares: Non-Finnish European, 0.0048%; no homozygotes.

Submission:

CeGaT Center for Human Genetics Tuebingen
Classification: Uncertain significance. Last evaluated: 2024-05-01. Review status: criteria provided, single submitter. Criteria: CeGaT Center For Human Genetics Tuebingen Variant Classification Criteria Version 2. Collection method: clinical testing. Allele origin: germline. Affected: yes. Observed: 1 variant allele.
Comment: OTOGL: PM2